The following is an entry in ClinVar:

NM_177438.3(DICER1):c.2176C>T (p.Leu726Phe)

Gene: DICER1 (dicer 1, ribonuclease III; minus strand). Cytogenetic location: 14q32.13.
Variant type: single nucleotide variant.
Coding change: c.2176C>T on transcript NM_177438.3 (MANE Select); coding-DNA position 2176, C replaced by T.
Protein change: p.Leu726Phe; replaces leucine 726 with phenylalanine.
Molecular consequence: missense variant. On other transcripts: non-coding transcript variant (6).
Genome position (GRCh38, 1-based): chr14:95,111,397, G>A on the plus strand (C>T on the coding strand, the complement: DICER1 is on the minus strand). VCF-style: chr14-95111397-G-A. GRCh37 (hg19) VCF-style: chr14-95577734-G-A.
Other names: c.2176C>T, p.Leu726Phe (NM_001195573.1, NM_001271282.3, NM_001291628.2 and 13 more transcripts); c.1894C>T, p.Leu632Phe (NM_001395686.1); c.1771C>T, p.Leu591Phe (NM_001395687.1, NM_001395688.1, NM_001395689.1 and 3 more transcripts); c.1609C>T, p.Leu537Phe (NM_001395691.1); c.493C>T, p.Leu165Phe (NM_001395697.1); short protein forms L632F, L591F, L726F, L165F, L537F.
Identifiers: ClinVar variation 2812762 (VCV002812762.4), dbSNP rs2140068053, ClinGen allele CA390882720.

ClinVar aggregate classification (germline): Uncertain significance. Review status: criteria provided, multiple submitters, no conflicts (2 of 4 stars). 2 submissions from 2 submitters: Uncertain significance (2). Last evaluated 2026-07-07.

Conditions:
Hereditary cancer-predisposing syndrome. Also called: Hereditary Cancer Syndrome; Hereditary neoplastic syndrome; Neoplastic Syndromes, Hereditary; Tumor predisposition. Identifiers: Orphanet 140162, MedGen C0027672, MeSH D009386, MONDO:0015356.
DICER1-related tumor predisposition. Also called: DICER1 syndrome; DICER1-related pleuropulmonary blastoma cancer predisposition syndrome. Identifiers: Orphanet 284343, MedGen C3839822, MONDO:0100216.

Submissions (2):

Ambry Genetics
Classification: Uncertain significance for Hereditary cancer-predisposing syndrome. Last evaluated: 2026-07-07. Review status: criteria provided, single submitter. Criteria: Ambry Variant Classification Scheme 2023. Collection method: clinical testing. Allele origin: germline.
Comment: The p.L726F variant (also known as c.2176C>T), located in coding exon 13 of the DICER1 gene, results from a C to T substitution at nucleotide position 2176. The leucine at codon 726 is replaced by phenylalanine, an amino acid with highly similar properties. This amino acid position is conserved. In addition, this alteration is predicted to be tolerated by in silico analysis. Based on the available evidence, the clinical significance of this variant remains unclear.

Labcorp Genetics (formerly Invitae), Labcorp
Classification: Uncertain significance for DICER1-related tumor predisposition. Last evaluated: 2022-11-08. Review status: criteria provided, single submitter. Criteria: Invitae Variant Classification Sherloc (09022015). Collection method: clinical testing. Allele origin: germline.
Comment: In summary, the available evidence is currently insufficient to determine the role of this variant in disease. Therefore, it has been classified as a Variant of Uncertain Significance. Advanced modeling of protein sequence and biophysical properties (such as structural, functional, and spatial information, amino acid conservation, physicochemical variation, residue mobility, and thermodynamic stability) performed at Invitae indicates that this missense variant is not expected to disrupt DICER1 protein function. This variant has not been reported in the literature in individuals affected with DICER1-related conditions. This variant is not present in population databases (gnomAD no frequency). This sequence change replaces leucine, which is neutral and non-polar, with phenylalanine, which is neutral and non-polar, at codon 726 of the DICER1 protein (p.Leu726Phe).